The following is an entry in ClinVar:

NM_015335.5(MED13L):c.6563G>A (p.Arg2188His)

Gene: MED13L (mediator complex subunit 13L; minus strand). Cytogenetic location: 12q24.21.
Variant type: single nucleotide variant.
Coding change: c.6563G>A on transcript NM_015335.5 (MANE Select); coding-DNA position 6563, G replaced by A.
Protein change: p.Arg2188His; replaces arginine 2188 with histidine.
Molecular consequence: missense variant.
Genome position (GRCh38, 1-based): chr12:115,961,336, C>T on the plus strand (G>A on the coding strand, the complement: MED13L is on the minus strand). VCF-style: chr12-115961336-C-T. GRCh37 (hg19) VCF-style: chr12-116399141-C-T.
Other names: short protein forms R2188H.
Identifiers: ClinVar variation 3390425 (VCV003390425.1).

ClinVar aggregate classification (germline): Uncertain significance (1 of 4 stars; one submission).

gnomAD v4.1: 1 of 1,614,122 alleles (0.000062%); highest among the groups gnomAD compares: Non-Finnish European, 0.000085%; no homozygotes.

Submission:

GeneDx
Classification: Uncertain significance. Last evaluated: 2024-06-13. Review status: criteria provided, single submitter. Criteria: GeneDx Variant Classification Process June 2021. Collection method: clinical testing. Allele origin: germline. Affected: yes.
Comment: Not observed at significant frequency in large population cohorts (gnomAD); In silico analysis supports that this missense variant has a deleterious effect on protein structure/function; Has not been previously published as pathogenic or benign to our knowledge